The following is an entry in ClinVar:

NM_018389.5(SLC35C1):c.641T>C (p.Ile214Thr)

Gene: SLC35C1 (solute carrier family 35 member C1; plus strand). Cytogenetic location: 11p11.2.
Variant type: single nucleotide variant.
Coding change: c.641T>C on transcript NM_018389.5 (MANE Select); coding-DNA position 641, T replaced by C.
Protein change: p.Ile214Thr; replaces isoleucine 214 with threonine.
Molecular consequence: missense variant.
Genome position (GRCh38, 1-based): chr11:45,810,881, T>C. VCF-style: chr11-45810881-T-C. GRCh37 (hg19) VCF-style: chr11-45832432-T-C.
Other names: c.602T>C, p.Ile201Thr (NM_001145265.2, NM_001145266.2, NM_001425156.1); c.641T>C, p.Ile214Thr (NM_001425155.1); short protein forms I201T, I214T.
Identifiers: ClinVar variation 3363125 (VCV003363125.1).

ClinVar aggregate classification (germline): Uncertain significance (1 of 4 stars; one submission).

Conditions:
Leukocyte adhesion deficiency type II. Also called: CONGENITAL DISORDER OF GLYCOSYLATION, TYPE IIc; CDG IIc; Congenital disorder of glycosylation type 2C; CDG 2C; Leukocyte adhesion deficiency type 2; Rambam Hasharon syndrome. Identifiers: Orphanet 2968, Orphanet 99843, MedGen C0398739, MONDO:0009953, OMIM 266265.

Submission:

Genomic Medicine Center of Excellence, King Faisal Specialist Hospital and Research Centre
Classification: Uncertain significance for Leukocyte adhesion deficiency type II. Last evaluated: 2024-10-13. Review status: criteria provided, single submitter. Criteria: ACMG Guidelines, 2015. Collection method: clinical testing. Allele origin: germline.
Comment: This variant (GRCh38; NM_001145266.1:c.602T>C:p.Ile201Thr) results in a missense mutation with the conversion of Isoleucine (Nonpolar amino acid) to Threonine (Polar amino acid) in the SLC35C1 gene. his variant has a strong Conservation score. In-silico analysis supports that this missense variant is pathogenic. Not observed at significant frequency in large population cohorts (gnomAD) To our knowledge this variant not been previously curated or reported in public Database. Based on insufficient or conflicting evidence, the clinical significance of this alteration remains unclear. A literature search was performed for the gene and associated variants. Based on this search no publications were found. This variant is therefore classified as variant of Unknown Clinical Significance.